The following is an entry in ClinVar:

NM_006363.6(SEC23B):c.1779A>G (p.Gln593=)

Gene: SEC23B (SEC23 homolog B, COPII component; plus strand). Cytogenetic location: 20p11.23.
Variant type: single nucleotide variant.
Coding change: c.1779A>G on transcript NM_006363.6 (MANE Select); coding-DNA position 1779, A replaced by G.
Protein change: p.Gln593=; no amino-acid change (glutamine 593 retained).
Molecular consequence: synonymous variant.
Genome position (GRCh38, 1-based): chr20:18,548,644, A>G. VCF-style: chr20-18548644-A-G. GRCh37 (hg19) VCF-style: chr20-18529288-A-G.
Other names: p.Gln593=; c.1779A>G, p.Gln593= (NM_001172745.3, NM_032985.6, NM_032986.5); c.1725A>G, p.Gln575= (NM_001172746.3).
Identifiers: ClinVar variation 4542380 (VCV004542380.1).

ClinVar aggregate classification (germline): Uncertain significance (1 of 4 stars; one submission).

gnomAD v4.1: 9 of 1,614,136 alleles (0.00056%); highest among the groups gnomAD compares: Admixed American, 0.0033%; no homozygotes.

Submission:

Mayo Clinic Laboratories, Mayo Clinic
Classification: Uncertain significance. Last evaluated: 2025-06-03. Review status: criteria provided, single submitter. Criteria: ACMG Guidelines, 2015. Collection method: clinical testing. Allele origin: germline. Observed: 1 variant allele.
Comment: PP3, PM2_supporting